The following is an entry in ClinVar:

ClinVar aggregate classification (germline): Uncertain significance (1 of 4 stars; one submission).

Submission:

GeneDx
Classification: Uncertain significance. Last evaluated: 2026-03-21. Review status: criteria provided, single submitter. Criteria: GeneDx Variant Classification Process June 2021. Collection method: clinical testing. Allele origin: germline.
Comment: Not observed at significant frequency in large population cohorts (gnomAD); In silico analysis supports that this missense variant has a deleterious effect on protein structure/function; Has not been previously published as pathogenic or benign to our knowledge

NM_014515.7(CNOT2):c.1601A>T (p.Asn534Ile)

Gene: CNOT2 (CCR4-NOT transcription complex subunit 2; plus strand). Cytogenetic location: 12q15.
Variant type: single nucleotide variant.
Coding change: c.1601A>T on transcript NM_014515.7 (MANE Select); coding-DNA position 1601, A replaced by T.
Protein change: p.Asn534Ile; replaces asparagine 534 with isoleucine.
Molecular consequence: missense variant. On other transcripts: non-coding transcript variant (1).
Genome position (GRCh38, 1-based): chr12:70,353,893, A>T. VCF-style: chr12-70353893-A-T. GRCh37 (hg19) VCF-style: chr12-70747673-A-T.
Other names: c.1601A>T, p.Asn534Ile (NM_001199302.2, NM_001199303.2, NM_001414651.1); c.1592A>T, p.Asn531Ile (NM_001414652.1); c.1574A>T, p.Asn525Ile (NM_001414653.1, NM_001414654.1, NM_001414655.1); c.1559A>T, p.Asn520Ile (NM_001414656.1); c.1541A>T, p.Asn514Ile (NM_001414657.1, NM_001414658.1, NM_001414659.1 and 1 more transcripts); c.1478A>T, p.Asn493Ile (NM_001414661.1); c.1418A>T, p.Asn473Ile (NM_001414662.1); short protein forms N493I, N473I, N514I, N531I, N534I, N525I, N520I.
Identifiers: ClinVar variation 5009577 (VCV005009577.1).